The following is an entry in ClinVar:

NM_002907.4(RECQL):c.863A>G (p.Tyr288Cys)

Gene: RECQL (RecQ like helicase; minus strand). Cytogenetic location: 12p12.1.
Variant type: single nucleotide variant.
Coding change: c.863A>G on transcript NM_002907.4 (MANE Select); coding-DNA position 863, A replaced by G.
Protein change: p.Tyr288Cys; replaces tyrosine 288 with cysteine.
Molecular consequence: missense variant.
Genome position (GRCh38, 1-based): chr12:21,477,807, T>C on the plus strand (A>G on the coding strand, the complement: RECQL is on the minus strand). VCF-style: chr12-21477807-T-C. GRCh37 (hg19) VCF-style: chr12-21630741-T-C.
Other names: c.863A>G, p.Tyr288Cys (NM_032941.3); short protein forms Y288C.
Identifiers: ClinVar variation 1450782 (VCV001450782.8), dbSNP rs748842496, ClinGen allele CA233571033.

ClinVar aggregate classification (germline): Uncertain significance. Review status: criteria provided, multiple submitters, no conflicts (2 of 4 stars). 2 submissions from 2 submitters: Uncertain significance (2). Last evaluated 2024-08-13.

gnomAD v4.1: 21 of 1,607,456 alleles (0.0013%); highest among the groups gnomAD compares: Non-Finnish European, 0.0018%; no homozygotes.

Submissions (2):

Labcorp Genetics (formerly Invitae), Labcorp
Classification: Uncertain significance. Last evaluated: 2024-08-13. Review status: criteria provided, single submitter. Criteria: Invitae Variant Classification Sherloc (09022015). Collection method: clinical testing. Allele origin: germline.
Comment: This sequence change replaces tyrosine, which is neutral and polar, with cysteine, which is neutral and slightly polar, at codon 288 of the RECQL protein (p.Tyr288Cys). This variant is present in population databases (rs748842496, gnomAD 0.0009%). This variant has not been reported in the literature in individuals affected with RECQL-related conditions. ClinVar contains an entry for this variant (Variation ID: 1450782). Advanced modeling of protein sequence and biophysical properties (such as structural, functional, and spatial information, amino acid conservation, physicochemical variation, residue mobility, and thermodynamic stability) performed at Invitae indicates that this missense variant is expected to disrupt RECQL protein function with a positive predictive value of 80%. In summary, the available evidence is currently insufficient to determine the role of this variant in disease. Therefore, it has been classified as a Variant of Uncertain Significance.

Ambry Genetics
Classification: Uncertain significance. Last evaluated: 2024-02-16. Review status: criteria provided, single submitter. Criteria: Ambry Variant Classification Scheme 2023. Collection method: clinical testing. Allele origin: germline.
Comment: The p.Y288C variant (also known as c.863A>G), located in coding exon 6 of the RECQL gene, results from an A to G substitution at nucleotide position 863. The tyrosine at codon 288 is replaced by cysteine, an amino acid with highly dissimilar properties. This amino acid position is conserved. In addition, this alteration is predicted to be deleterious by in silico analysis. Since supporting evidence is limited at this time, the clinical significance of this alteration remains unclear.